The following is an entry in ClinVar:

ClinVar aggregate classification (germline): Uncertain significance (1 of 4 stars; one submission).

Conditions:
Hereditary hemorrhagic telangiectasia (HHT). Also called: ORW DISEASE; Osler Weber Rendu syndrome; OSLER-RENDU-WEBER DISEASE; Osler hemorrhagic telangiectasia syndrome. Identifiers: Orphanet 774, MedGen C0039445, MONDO:0019180. Disease mechanism: loss of function.

Allele frequency attached by ClinVar (database versions not stated): gnomAD exomes below 0.00001; gnomAD 0.00001; TOPMed 0.00002.
gnomAD v4.1: 3 of 1,613,090 alleles (0.00019%); highest among the groups gnomAD compares: African/African-American, 0.0027%; no homozygotes.

Submission:

Labcorp Genetics (formerly Invitae), Labcorp
Classification: Uncertain significance for Hereditary hemorrhagic telangiectasia. Last evaluated: 2023-04-12. Review status: criteria provided, single submitter. Criteria: Invitae Variant Classification Sherloc (09022015). Collection method: clinical testing. Allele origin: germline.
Comment: In summary, the available evidence is currently insufficient to determine the role of this variant in disease. Therefore, it has been classified as a Variant of Uncertain Significance. Variants that disrupt the consensus splice site are a relatively common cause of aberrant splicing (PMID: 17576681, 9536098). Algorithms developed to predict the effect of sequence changes on RNA splicing suggest that this variant is not likely to affect RNA splicing. This variant has not been reported in the literature in individuals affected with ENG-related conditions. This variant is present in population databases (no rsID available, gnomAD 0.004%). This sequence change falls in intron 11 of the ENG gene. It does not directly change the encoded amino acid sequence of the ENG protein. It affects a nucleotide within the consensus splice site.

Literature cited by the submitters: PubMed 17576681; PubMed 9536098.

NM_001114753.3(ENG):c.1429-3C>T

Genes: ENG (endoglin; minus strand), LOC102723566 (uncharacterized LOC102723566; plus strand). Cytogenetic location: 9q34.11.
Variant type: single nucleotide variant.
Coding change: c.1429-3C>T on transcript NM_001114753.3 (MANE Select); 3 bases into the intron before coding-DNA position 1429, C replaced by T.
Molecular consequence: intron variant. On other transcripts: non-coding transcript variant (1).
Genome position (GRCh38, 1-based): chr9:127,818,380, G>A on the plus strand (C>T on the coding strand, the complement: ENG is on the minus strand). VCF-style: chr9-127818380-G-A. GRCh37 (hg19) VCF-style: chr9-130580659-G-A.
Other names: c.1429-3C>T (NM_000118.4); c.883-3C>T (NM_001278138.2).
Identifiers: ClinVar variation 2857564 (VCV002857564.3), dbSNP rs1330077343, ClinGen allele CA467225606.